The following is an entry in ClinVar:

NM_000246.4(CIITA):c.931A>G (p.Met311Val)

Gene: CIITA (class II major histocompatibility complex transactivator; plus strand). Cytogenetic location: 16p13.13.
Variant type: single nucleotide variant.
Coding change: c.931A>G on transcript NM_000246.4 (MANE Select); coding-DNA position 931, A replaced by G.
Protein change: p.Met311Val; replaces methionine 311 with valine.
Molecular consequence: missense variant. On other transcripts: non-coding transcript variant (1).
Genome position (GRCh38, 1-based): chr16:10,903,889, A>G. VCF-style: chr16-10903889-A-G. GRCh37 (hg19) VCF-style: chr16-10997746-A-G.
Other names: c.934A>G, p.Met312Val (NM_001286402.1, NM_001379332.1); c.784A>G, p.Met262Val (NM_001286403.2, NM_001379331.1); c.787A>G, p.Met263Val (NM_001379330.1); c.931A>G, p.Met311Val (NM_001379333.1); c.862A>G, p.Met288Val (NM_001379334.1); short protein forms M311V, M262V, M312V, M263V, M288V.
Identifiers: ClinVar variation 625921 (VCV000625921.15), dbSNP rs140139362, ClinGen allele CA7899947.

ClinVar aggregate classification (germline): Conflicting classifications of pathogenicity. Review status: criteria provided, conflicting classifications (1 of 4 stars). 5 submissions from 4 submitters: Uncertain significance (3); Likely benign (1). 1 of the submissions does not count toward it. Last evaluated 2026-01-14.

Conditions:
CIITA-related disorder. Also called: CIITA-related condition.
MHC class II deficiency. Also called: Bare lymphocyte syndrome 2; BLS, TYPE II. Identifiers: Orphanet 572, MedGen C5447452, MONDO:0008855.
MHC class II deficiency 1 (MHC2D1). Also called: SCID, HLA CLASS II-NEGATIVE; BARE LYMPHOCYTE SYNDROME, TYPE II, COMPLEMENTATION GROUP A; Bare lymphocyte syndrome type 2, complementation group A. Identifiers: MedGen C1859534, MONDO:0971005, OMIM 209920.
Rheumatoid arthritis (RA). Also called: RHEUMATOID ARTHRITIS, SUSCEPTIBILITY TO. Identifiers: MedGen C0003873, MONDO:0008383, OMIM 180300, HP:0001370.

Allele frequency attached by ClinVar (database versions not stated): gnomAD exomes 0.00006 and 0.00017; 1000 Genomes Project 30x 0.00016; ExAC 0.00016; 1000 Genomes Project 0.00020; ESP Exome Variant Server 0.00046; gnomAD 0.00046 and 0.00050; TOPMed 0.00055.
gnomAD v4.1: 164 of 1,614,132 alleles (0.01%); highest among the groups gnomAD compares: African/African-American, 0.19%; no homozygotes.

Submissions (5):

Labcorp Genetics (formerly Invitae), Labcorp
Classification: Likely benign for MHC class II deficiency. Last evaluated: 2026-01-14. Review status: criteria provided, single submitter. Criteria: Invitae Variant Classification Sherloc (09022015). Collection method: clinical testing. Allele origin: germline.

PreventionGenetics, part of Exact Sciences
Classification: Uncertain significance for CIITA-related condition. Last evaluated: 2023-04-13. Review status: criteria provided, single submitter. Criteria: ACMG Guidelines, 2015. Collection method: clinical testing. Allele origin: germline.
Comment: The CIITA c.931A>G variant is predicted to result in the amino acid substitution p.Met311Val. To our knowledge, this variant has not been reported in the literature. This variant is reported in 0.24% of alleles in individuals of African descent in gnomAD. At this time, the clinical significance of this variant is uncertain due to the absence of conclusive functional and genetic evidence.

Center for Genomics, Ann and Robert H. Lurie Children's Hospital of Chicago
Classification: Uncertain significance for MHC class II deficiency 1. Last evaluated: 2018-12-03. Review status: criteria provided, single submitter. Criteria: ACMG Guidelines, 2015. Collection method: clinical testing. Allele origin: germline.
Comment: CIITA NM_000246.3 exon 9 p.Met311Val (c.931A>G): This variant has not been reported in the literature and is present in 0.2% (61/24968) of African alleles in the Genome Aggregation Database. This variant amino acid Valine (Val) is present in several species including multiple primates and other mammals, and it is not well conserved among evolutionarily distant species; this suggests that this variant may not impact the protein. Additional computational prediction tools do not suggest an impact. In summary, data on this variant is insufficient for disease classification. Therefore, the clinical significance of this variant is uncertain.

Center for Genomics, Ann and Robert H. Lurie Children's Hospital of Chicago
Classification: Uncertain significance for Rheumatoid arthritis; MHC class II deficiency 1. Review status: criteria provided, single submitter. Criteria: ACMG Guidelines, 2015. Collection method: clinical testing. Allele origin: germline.
Comment: the same text as in the submission from Center for Genomics, Ann and Robert H. Lurie Children's Hospital of Chicago above.

Natera, Inc.
Classification: Likely benign for Bare lymphocyte syndrome type II. Last evaluated: 2020-04-24. Review status: no assertion criteria provided. Collection method: clinical testing. Allele origin: germline. Not counted in ClinVar's aggregate classification.